The following is an entry in ClinVar:

NM_182961.4(SYNE1):c.1066G>A (p.Val356Ile)

Gene: SYNE1 (spectrin repeat containing nuclear envelope protein 1; minus strand). Cytogenetic location: 6q25.2.
Variant type: single nucleotide variant.
Coding change: c.1066G>A on transcript NM_182961.4 (MANE Select); coding-DNA position 1066, G replaced by A.
Protein change: p.Val356Ile; replaces valine 356 with isoleucine.
Molecular consequence: missense variant.
Genome position (GRCh38, 1-based): chr6:152,484,954, C>T on the plus strand (G>A on the coding strand, the complement: SYNE1 is on the minus strand). VCF-style: chr6-152484954-C-T. GRCh37 (hg19) VCF-style: chr6-152806089-C-T.
Other names: c.1087G>A, p.Val363Ile (NM_033071.5); short protein forms V363I, V356I.
Identifiers: ClinVar variation 961570 (VCV000961570.9), dbSNP rs1156294695, ClinGen allele CA366142468.

ClinVar aggregate classification (germline): Uncertain significance (1 of 4 stars; one submission).

Conditions:
Autosomal recessive ataxia, Beauce type. Also called: Spinocerebellar ataxia, autosomal recessive 8; ATAXIA, RECESSIVE, OF BEAUCE; SYNE1-Related Autosomal Recessive Cerebellar Ataxia; SYNE1 Deficiency. Identifiers: Orphanet 88644, MedGen C1853116, MONDO:0012549, OMIM 610743.
Emery-Dreifuss muscular dystrophy 4, autosomal dominant (EDMD4). Also called: EMERY-DREIFUSS MUSCULAR DYSTROPHY 4 WITH VARIABLE FEATURES. Identifiers: Orphanet 261, MedGen C2751807, MONDO:0013071, OMIM 612998.

Allele frequency attached by ClinVar (database versions not stated): gnomAD exomes below 0.00001 and 0.00001.
gnomAD v4.1: 6 of 1,612,400 alleles (0.00037%); highest among the groups gnomAD compares: South Asian, 0.0066%; no homozygotes.

Submission:

Labcorp Genetics (formerly Invitae), Labcorp
Classification: Uncertain significance for Emery-Dreifuss muscular dystrophy 4, autosomal dominant; Autosomal recessive ataxia, Beauce type. Last evaluated: 2019-08-19. Review status: criteria provided, single submitter. Criteria: Invitae Variant Classification Sherloc (09022015). Collection method: clinical testing. Allele origin: germline.
Comment: This sequence change replaces valine with isoleucine at codon 363 of the SYNE1 protein (p.Val363Ile). The valine residue is moderately conserved and there is a small physicochemical difference between valine and isoleucine. This variant is not present in population databases (ExAC no frequency). This variant has not been reported in the literature in individuals with SYNE1-related conditions. Algorithms developed to predict the effect of missense changes on protein structure and function output the following: SIFT: "Tolerated"; PolyPhen-2: "Benign"; Align-GVGD: "Class C0". The isoleucine amino acid residue is found in multiple mammalian species, suggesting that this missense change does not adversely affect protein function. These predictions have not been confirmed by published functional studies and their clinical significance is uncertain. In summary, the available evidence is currently insufficient to determine the role of this variant in disease. Therefore, it has been classified as a Variant of Uncertain Significance.